The following is an entry in ClinVar:

ClinVar aggregate classification (germline): Pathogenic/Likely pathogenic. Review status: criteria provided, multiple submitters, no conflicts (2 of 4 stars). 8 submissions from 8 submitters: Pathogenic (7); Likely pathogenic (1). Last evaluated 2025-08-06.

Conditions:
ENG-related disorder. Also called: ENG-related disorders; ENG-related condition.
Cardiovascular phenotype. Identifiers: MedGen CN230736.
Hereditary hemorrhagic telangiectasia (HHT). Also called: Osler hemorrhagic telangiectasia syndrome; ORW DISEASE; Osler Weber Rendu syndrome; OSLER-RENDU-WEBER DISEASE. Identifiers: Orphanet 774, MedGen C0039445, MONDO:0019180. Disease mechanism: loss of function.
Telangiectasia, hereditary hemorrhagic, type 1 (HHT1). Also called: Osler Weber Rendu syndrome type 1; ENG-Related Hereditary Hemorrhagic Telangiectasia. Identifiers: Orphanet 774, MedGen C4551861, MONDO:0008535, OMIM 187300. Disease mechanism: loss of function.

Submissions (8):

GeneDx
Classification: Pathogenic. Last evaluated: 2025-08-06. Review status: criteria provided, single submitter. Criteria: GeneDx Variant Classification Process June 2021. Collection method: clinical testing. Allele origin: germline. Affected: yes.
Comment: Identified in patients with HHT in published literature (PMID: 16542389, 16752392, 17786384, 9554745, 22991266); Frameshift variant predicted to result in protein truncation or nonsense mediated decay in a gene for which loss of function is a known mechanism of disease; Not observed at significant frequency in large population cohorts (gnomAD); Also known as c.1078_1081delGACA; This variant is associated with the following publications: (PMID: 9554745, 16542389, 16752392, 17786384, 22991266, 31630786, 32573726)

Labcorp Genetics (formerly Invitae), Labcorp
Classification: Pathogenic for Hereditary hemorrhagic telangiectasia. Last evaluated: 2025-07-29. Review status: criteria provided, single submitter. Criteria: Invitae Variant Classification Sherloc (09022015). Collection method: clinical testing. Allele origin: germline.
Comment: This sequence change creates a premature translational stop signal (p.Thr361Serfs*7) in the ENG gene. It is expected to result in an absent or disrupted protein product. Loss-of-function variants in ENG are known to be pathogenic (PMID: 15879500). This variant is not present in population databases (gnomAD no frequency). This premature translational stop signal has been observed in individual(s) with hereditary hemorrhagic telangiectasia (PMID: 9554745, 16542389, 17786384, 21158752, 22991266). ClinVar contains an entry for this variant (Variation ID: 213214). For these reasons, this variant has been classified as Pathogenic.

Genomic Medicine Center of Excellence, King Faisal Specialist Hospital and Research Centre
Classification: Likely pathogenic for Telangiectasia, hereditary hemorrhagic, type 1. Last evaluated: 2024-03-26. Review status: criteria provided, single submitter. Criteria: ACMG Guidelines, 2015. Collection method: clinical testing. Allele origin: germline.

Blueprint Genetics
Classification: Pathogenic for ENG-related disorders. Last evaluated: 2023-08-11. Review status: criteria provided, single submitter. Criteria: ACMG Guidelines, 2015. Collection method: clinical testing. Allele origin: germline. Affected: yes. Observed: 2 variant alleles.

Ambry Genetics
Classification: Pathogenic for Cardiovascular phenotype. Last evaluated: 2022-05-23. Review status: criteria provided, single submitter. Criteria: Ambry Variant Classification Scheme 2023. Collection method: clinical testing. Allele origin: germline.
Comment: The c.1080_1083delGACA pathogenic mutation, located in coding exon 8 of the ENG gene, results from a deletion of 4 nucleotides at nucleotide positions 1080 to 1083, causing a translational frameshift with a predicted alternate stop codon (p.T361Sfs*7). This mutation has been identified in multiple individuals with epistaxis, telangiectasias, and pulmonary arteriovenous malformations (Gallione CJ et al. Hum. Mutat., 1998;11:286-94; Wehner LE et al. Clin. Genet., 2006 Mar;69:239-45; Lee NP et al. J. Med. Genet., 2011 May;48:353-7). This variant is considered to be rare based on population cohorts in the Genome Aggregation Database (gnomAD). In addition, this alteration is expected to result in loss of function by premature protein truncation or nonsense-mediated mRNA decay. As such, this alteration is interpreted as a disease-causing mutation.

ARUP Laboratories, Molecular Genetics and Genomics, ARUP Laboratories
Classification: Pathogenic for Telangiectasia, hereditary hemorrhagic, type 1. Last evaluated: 2021-04-13. Review status: criteria provided, single submitter. Criteria: ARUP Molecular Germline Variant Investigation Process 2021. Collection method: clinical testing. Allele origin: germline.
Comment: The ENG c.1080_1083delGACA; p.Thr361SerfsTer7 variant (rs863223540), also reported as c.1078_1081del, is reported in the literature in multiple individuals affected with hereditary hemorrhagic telangiectasia (HHT) (Gallione 1998, Nishida 2012, Snellings 2019). This variant is also reported in ClinVar (Variation ID: 213214). This variant is absent from the Genome Aggregation Database, indicating it is not a common polymorphism. This variant causes a frameshift by deleting four nucleotides, so it is predicted to result in a truncated protein or mRNA subject to nonsense-mediated decay. Based on available information, this variant is considered to be pathogenic. References: Gallione CJ et al. Mutation and expression analysis of the endoglin gene in hereditary hemorrhagic telangiectasia reveals null alleles. Hum Mutat. 1998;11(4):286-94. Nishida T et al. Brain arteriovenous malformations associated with hereditary hemorrhagic telangiectasia: gene-phenotype correlations. Am J Med Genet A. 2012 Nov;158A(11):2829-34. Snellings DA et al. Somatic Mutations in Vascular Malformations of Hereditary Hemorrhagic Telangiectasia Result in Bi-allelic Loss of ENG or ACVRL1. Am J Hum Genet. 2019 Nov 7;105(5):894-906.

Mayo Clinic Laboratories, Mayo Clinic
Classification: Pathogenic. Last evaluated: 2020-06-24. Review status: criteria provided, single submitter. Criteria: ACMG Guidelines, 2015. Collection method: clinical testing. Allele origin: germline. Observed: 1 variant allele.
Comment: PVS1, PS4, PP1_Strong, PM2, PP4

NIHR Bioresource Rare Diseases, University of Cambridge
Classification: Pathogenic for Telangiectasia, hereditary hemorrhagic, type 1. Last evaluated: 2018-01-01. Review status: criteria provided, single submitter. Criteria: ACMG Guidelines, 2015. Collection method: research. Allele origin: unknown. Affected: yes. Observed: 3 variant alleles.
Comment: PVS1+PM2+PP4

Literature cited by the submitters: PubMed 15879500 (cited by Labcorp Genetics (formerly Invitae), Labcorp); PubMed 9554745 (cited by 3 submitters); PubMed 16542389 (cited by 3 submitters); PubMed 17786384 (cited by Labcorp Genetics (formerly Invitae), Labcorp and Mayo Clinic Laboratories, Mayo Clinic); PubMed 21158752 (cited by Labcorp Genetics (formerly Invitae), Labcorp); PubMed 22991266 (cited by Labcorp Genetics (formerly Invitae), Labcorp and Mayo Clinic Laboratories, Mayo Clinic); PubMed 21415079 (cited by Ambry Genetics); PubMed 15712270 (cited by Mayo Clinic Laboratories, Mayo Clinic); PubMed 16752392 (cited by Mayo Clinic Laboratories, Mayo Clinic); PubMed 31630786 (cited by Mayo Clinic Laboratories, Mayo Clinic); PubMed 32573726 (cited by NIHR Bioresource Rare Diseases, University of Cambridge).

NM_001114753.3(ENG):c.1080_1083del (p.Thr361fs)

Gene: ENG (endoglin; minus strand). Cytogenetic location: 9q34.11.
Variant type: Deletion.
Coding change: c.1080_1083del on transcript NM_001114753.3 (MANE Select); coding-DNA positions 1080 to 1083, 4 bases deleted (GACA; older notation c.1080_1083delGACA).
Protein change: p.Thr361fs; shifts the reading frame from threonine 361.
Molecular consequence: frameshift variant.
Genome position (GRCh38, 1-based): chr9:127,824,355-127,824,358, TGTC deleted on the plus strand (GACA on the coding strand, the reverse complement: ENG is on the minus strand); deleting any 4 consecutive bases within chr9:127,824,355-127,824,360 gives the same sequence; the c. name uses the placement nearest the transcript's 3' end. VCF-style (leftmost placement, unchanged base first): chr9-127824354-TTGTC-T. GRCh37 (hg19) VCF-style: chr9-130586633-TTGTC-T.
Other names: c.1078_1081delCAGA, p.Thr361Serfs (NM_000118.4, NM_001406715.1); c.534_537del, p.Thr179fs (NM_001278138.2); c.1080_1083delGACA (NM_001114753.2, NM_000118.3); c.1080_1083del (NM_000118.2); short protein forms T361fs, T179fs.
Identifiers: ClinVar variation 213214 (VCV000213214.25), dbSNP rs863223540, ClinGen allele CA324999.
Genomic context (GRCh38, chr9:127,824,354, plus strand): 5'-GTTCCCTTACCGCAACAAGCTCTTTCTTTAGTACCAGGGTCATGGCGTCGTCGGCACACT[TTGTC>T]TGGATCAAGGACATGAGCAGCTCCGGGCTACAAGTGTCCTTGGGAGGAGTGGTCTGGATC-3'